The following is an entry in ClinVar:

ClinVar aggregate classification (germline): Pathogenic/Likely pathogenic. Review status: criteria provided, multiple submitters, no conflicts (2 of 4 stars). 4 submissions from 4 submitters: Pathogenic (3); Likely pathogenic (1). Last evaluated 2025-11-06.

Conditions:
Hereditary hemorrhagic telangiectasia (HHT). Also called: ORW DISEASE; Osler Weber Rendu syndrome; OSLER-RENDU-WEBER DISEASE; Osler hemorrhagic telangiectasia syndrome. Identifiers: Orphanet 774, MedGen C0039445, MONDO:0019180. Disease mechanism: loss of function.
Cardiovascular phenotype. Identifiers: MedGen CN230736.

Submissions (4):

Mayo Clinic Laboratories, Mayo Clinic
Classification: Pathogenic. Last evaluated: 2025-11-06. Review status: criteria provided, single submitter. Criteria: ACMG Guidelines, 2015. Collection method: clinical testing. Allele origin: germline. Observed: 1 variant allele.
Comment: PP3, PP4, PM2_supporting, PS1, PS4

Labcorp Genetics (formerly Invitae), Labcorp
Classification: Pathogenic for Hereditary hemorrhagic telangiectasia. Last evaluated: 2025-09-20. Review status: criteria provided, single submitter. Criteria: Invitae Variant Classification Sherloc (09022015). Collection method: clinical testing. Allele origin: germline.
Comment: This sequence change falls in intron 3 of the ENG gene. It does not directly change the encoded amino acid sequence of the ENG protein. It affects a nucleotide within the consensus splice site. This variant is not present in population databases (gnomAD no frequency). This variant has been observed in individual(s) with hereditary hemorrhagic telangiectasia (PMID: 22991266; external communication, internal data). ClinVar contains an entry for this variant (Variation ID: 1733091). Variants that disrupt the consensus splice site are a relatively common cause of aberrant splicing (PMID: 17576681, 9536098). Algorithms developed to predict the effect of sequence changes on RNA splicing suggest that this variant may disrupt the consensus splice site. For these reasons, this variant has been classified as Pathogenic.

Ambry Genetics
Classification: Pathogenic for Cardiovascular phenotype. Last evaluated: 2022-09-16. Review status: criteria provided, single submitter. Criteria: Ambry Variant Classification Scheme 2023. Collection method: clinical testing. Allele origin: germline.
Comment: The c.360+2dupT intronic pathogenic mutation, results from a duplication of two nucleotides at nucleotide position 360 after intron 3 of the ENG gene. This variant, reported as c.360+3dupT, was identified in a family with a brain arteriovenous malformation; however, additional clinical information was not provided (Nishida T et al. Am. J. Med. Genet. A, 2012 Nov;158A:2829-34). This variant is considered to be rare based on population cohorts in the Genome Aggregation Database (gnomAD). In silico splice site analysis predicts that this alteration will weaken the native splice donor site, and RNA studies have demonstrated that this alteration results in abnormal splicing in the set of samples tested (Ambry internal data). Other alterations impacting the same donor splice site (e.g., c.360+1G>A, c.360+1G>T, c.360+5G>A, and c.360+5G>C) have been reported in multiple individuals and families with hereditary hemorrahagic telangiectasia (HHT), and one (c.360+1G>A) has been shown to have a similar impact on splicing (Pece N et al. J. Clin. Invest., 1997 Nov;100:2568-79; Berg J, J. Med. Genet. 2003 Aug; 40(8):585-9; Letteboer TG et al. Hum. Genet., 2005 Jan;116:8-16; Gedge F et al. J Mol Diagn, 2007 Apr;9:258-65). Based on the supporting evidence, this alteration is interpreted as a disease-causing mutation.

Clinical Genetics Laboratory, Skane University Hospital Lund
Classification: Likely pathogenic. Last evaluated: 2022-05-27. Review status: criteria provided, single submitter. Criteria: ACMG Guidelines, 2015. Collection method: clinical testing. Allele origin: germline. Affected: yes.

Literature cited by the submitters: PubMed 22991266 (cited by 3 submitters); PubMed 17576681 (cited by Labcorp Genetics (formerly Invitae), Labcorp); PubMed 9536098 (cited by Labcorp Genetics (formerly Invitae), Labcorp).

NM_001114753.3(ENG):c.360+2dup

Gene: ENG (endoglin; minus strand). Cytogenetic location: 9q34.11.
Variant type: Duplication.
Coding change: c.360+2dup on transcript NM_001114753.3 (MANE Select); the canonical splice donor site of the intron after coding-DNA position 360, one base duplicated (T; older notation c.360+2dupT).
Molecular consequence: splice donor variant.
Genome position (GRCh38, 1-based): chr9:127,829,685, A duplicated on the plus strand (T on the coding strand, the reverse complement: ENG is on the minus strand). VCF-style (leftmost placement, unchanged base first): chr9-127829684-C-CA. GRCh37 (hg19) VCF-style: chr9-130591963-C-CA.
Other names: c.360+2dup (NM_000118.4, NM_001406715.1, NM_000118.2 and 1 more transcripts); c.-187+2dup (NM_001278138.2).
Identifiers: ClinVar variation 1733091 (VCV001733091.9), dbSNP rs2539082926, ClinGen allele CA2580079576.
Genomic context (GRCh38, chr9:127,829,684, plus strand): 5'-GATGGACAGTAGGGACCTCCCATGGCCAGAGCCTCAGCCTGGGGTTGGAGGGAACACACT[C>CA]ACGTAGGCCAAGTGCAGTGGGATTCCCAGGGCCTGGAGATGCAGGAAGACACTGCTGTTT-3'